The following is an entry in ClinVar:

ClinVar aggregate classification (germline): Uncertain significance (1 of 4 stars; one submission).

Allele frequency attached by ClinVar (database versions not stated): gnomAD exomes below 0.00001 and 0.00001; TOPMed below 0.00001; gnomAD 0.00001; ExAC 0.00002.
gnomAD v4.1: 6 of 1,614,064 alleles (0.00037%); highest among the groups gnomAD compares: African/African-American, 0.0013%; no homozygotes.

Submission:

Labcorp Genetics (formerly Invitae), Labcorp
Classification: Uncertain significance. Last evaluated: 2024-11-12. Review status: criteria provided, single submitter. Criteria: Invitae Variant Classification Sherloc (09022015). Collection method: clinical testing. Allele origin: germline.
Comment: This sequence change replaces serine, which is neutral and polar, with threonine, which is neutral and polar, at codon 878 of the EIF2AK3 protein (p.Ser878Thr). This variant is present in population databases (rs746064190, gnomAD 0.003%). This variant has not been reported in the literature in individuals affected with EIF2AK3-related conditions. ClinVar contains an entry for this variant (Variation ID: 1488515). An algorithm developed to predict the effect of missense changes on protein structure and function (PolyPhen-2) suggests that this variant is likely to be tolerated. In summary, the available evidence is currently insufficient to determine the role of this variant in disease. Therefore, it has been classified as a Variant of Uncertain Significance.

NM_004836.7(EIF2AK3):c.2633G>C (p.Ser878Thr)

Genes: EIF2AK3 (eukaryotic translation initiation factor 2 alpha kinase 3; minus strand), EIF2AK3-AS1 (EIF2AK3 antisense RNA 1; plus strand). Cytogenetic location: 2p11.2.
Variant type: single nucleotide variant.
Coding change: c.2633G>C on transcript NM_004836.7 (MANE Select); coding-DNA position 2633, G replaced by C.
Protein change: p.Ser878Thr; replaces serine 878 with threonine.
Molecular consequence: missense variant. On other transcripts: non-coding transcript variant (1).
Genome position (GRCh38, 1-based): chr2:88,574,850, C>G on the plus strand (G>C on the coding strand, the complement: EIF2AK3 is on the minus strand). VCF-style: chr2-88574850-C-G. GRCh37 (hg19) VCF-style: chr2-88874368-C-G.
Other names: c.2180G>C, p.Ser727Thr (NM_001313915.2); short protein forms S727T, S878T.
Identifiers: ClinVar variation 1488515 (VCV001488515.6), dbSNP rs746064190, ClinGen allele CA1754423.